The following is an entry in ClinVar:

NM_152564.5(VPS13B):c.412+1G>A

Gene: VPS13B (vacuolar protein sorting 13 homolog B; plus strand). Cytogenetic location: 8q22.2.
Variant type: single nucleotide variant.
Coding change: c.412+1G>A on transcript NM_152564.5 (MANE Select); the canonical splice donor site of the intron after coding-DNA position 412, G replaced by A.
Molecular consequence: splice donor variant.
Genome position (GRCh38, 1-based): chr8:99,096,433, G>A. VCF-style: chr8-99096433-G-A. GRCh37 (hg19) VCF-style: chr8-100108661-G-A.
Other names: c.412+1G>A (NM_152564.4, NM_017890.5, NM_015243.3 and 1 more transcripts).
Identifiers: ClinVar variation 371467 (VCV000371467.5), dbSNP rs1057517295, ClinGen allele CA16041219.

ClinVar aggregate classification (germline): Likely pathogenic. Review status: criteria provided, multiple submitters, no conflicts (2 of 4 stars). 3 submissions from 3 submitters: Likely pathogenic (2). 1 of the submissions does not count toward it. Last evaluated 2026-04-21.

Conditions:
Cohen syndrome (COH1). Also called: PEPPER SYNDROME; Cutis verticis gyrata, retinitis pigmentosa, and sensorineural deafness. Identifiers: Orphanet 193, MedGen C0265223, MONDO:0008999, OMIM 216550.
VPS13B-related disorder. Also called: VPS13B-related condition.

Submissions (3):

PreventionGenetics, part of Exact Sciences
Classification: Likely pathogenic for VPS13B-related condition. Last evaluated: 2026-04-21. Review status: criteria provided, single submitter. Criteria: ACMG Guidelines, 2015. Collection method: clinical testing. Allele origin: germline.
Comment: The VPS13B c.412+1G>A variant is predicted to disrupt the GT donor site and interfere with normal splicing. To our knowledge, this variant has not been reported in the literature or in a large population database (gnomAD), indicating this variant is rare. Variants that disrupt the consensus splice donor site in VPS13B are expected to be pathogenic. This variant is interpreted as likely pathogenic.

Blueprint Genetics
Classification: Likely pathogenic for VPS13B-related disorders. Last evaluated: 2023-02-01. Review status: criteria provided, single submitter. Criteria: ACMG Guidelines, 2015. Collection method: clinical testing. Allele origin: germline. Affected: yes. Observed: 1 variant allele.

Counsyl
Classification: Likely pathogenic for Cohen syndrome. Last evaluated: 2016-10-03. Review status: no assertion criteria provided. Collection method: clinical testing. Allele origin: unknown. Not counted in ClinVar's aggregate classification.